The following is an entry in ClinVar:

ClinVar aggregate classification (germline): Conflicting classifications of pathogenicity. Review status: criteria provided, conflicting classifications (1 of 4 stars). 5 submissions from 5 submitters: Uncertain significance (2); Likely benign (2). 1 of the submissions does not count toward it. Last evaluated 2026-01-27.

Conditions:
Polyglucosan body myopathy type 1 (PGBM1). Also called: POLYGLUCOSAN BODY MYOPATHY WITHOUT IMMUNODEFICIENCY; Polyglucosan body myopathy 1 with or without immunodeficiency. Identifiers: Orphanet 329173, Orphanet 397937, MedGen C4014605, MONDO:0014389, OMIM 615895.
RBCK1-related disorder. Also called: RBCK1-related condition.

Allele frequency attached by ClinVar (database versions not stated): ESP Exome Variant Server 0.00008; gnomAD exomes 0.00035 and 0.00075; gnomAD 0.00047; TOPMed 0.00060; ExAC 0.00087.
gnomAD v4.1: 613 of 1,554,694 alleles (0.039%); highest among the groups gnomAD compares: Middle Eastern, 0.24%; no homozygotes.

Submissions (5):

Labcorp Genetics (formerly Invitae), Labcorp
Classification: Likely benign for Polyglucosan body myopathy type 1. Last evaluated: 2026-01-27. Review status: criteria provided, single submitter. Criteria: Invitae Variant Classification Sherloc (09022015). Collection method: clinical testing. Allele origin: germline.

Mayo Clinic Laboratories, Mayo Clinic
Classification: Likely benign. Last evaluated: 2025-11-28. Review status: criteria provided, single submitter. Criteria: ACMG Guidelines, 2015. Collection method: clinical testing. Allele origin: germline. Observed: 6 variant alleles.
Comment: BS1, BP4_moderate

GeneDx
Classification: Uncertain significance. Last evaluated: 2024-01-17. Review status: criteria provided, single submitter. Criteria: GeneDx Variant Classification Process June 2021. Collection method: clinical testing. Allele origin: germline. Affected: yes.
Comment: Observed in the homozygous state in a fetus with dilated heart and somewhat tortuous PDA who was also found to have variants in additional genes (PMID: 36068917); In silico analysis supports that this missense variant has a deleterious effect on protein structure/function; This variant is associated with the following publications: (PMID: 36068917)

CeGaT Center for Human Genetics Tuebingen
Classification: Uncertain significance. Last evaluated: 2017-02-01. Review status: criteria provided, single submitter. Criteria: CeGaT Center For Human Genetics Tuebingen Variant Classification Criteria Version 2. Collection method: clinical testing. Allele origin: germline. Affected: yes. Observed: 1 variant allele.

PreventionGenetics, part of Exact Sciences
Classification: Likely benign for RBCK1-related condition. Last evaluated: 2023-10-10. Review status: no assertion criteria provided. Collection method: clinical testing. Allele origin: germline. Not counted in ClinVar's aggregate classification.
Comment: This variant is classified as likely benign based on ACMG/AMP sequence variant interpretation guidelines (Richards et al. 2015 PMID: 25741868, with internal and published modifications).

NM_031229.4(RBCK1):c.782A>G (p.Asn261Ser)

Gene: RBCK1 (RANBP2-type and C3HC4-type zinc finger containing 1; plus strand). Cytogenetic location: 20p13.
Variant type: single nucleotide variant.
Coding change: c.782A>G on transcript NM_031229.4 (MANE Select); coding-DNA position 782, A replaced by G.
Protein change: p.Asn261Ser; replaces asparagine 261 with serine.
Molecular consequence: missense variant. On other transcripts: non-coding transcript variant (1), intron variant (2).
Genome position (GRCh38, 1-based): chr20:420,896, A>G. VCF-style: chr20-420896-A-G. GRCh37 (hg19) VCF-style: chr20-401540-A-G.
Other names: p.Asn261Ser; c.656A>G, p.Asn219Ser (NM_006462.6); c.407+1165A>G (NM_001323956.2, NM_001323958.2); short protein forms N261S, N219S.
Identifiers: ClinVar variation 475186 (VCV000475186.57), dbSNP rs377605009, ClinGen allele CA9723197.
Genomic context (GRCh38, chr20:420,896, plus strand): 5'-CTGACCCGCCCCGTGGCCCCGCCCCGTGTGCCCAGCGGAAGCAGCAGCAGCAGGAGGGGA[A>G]CTACCTGCAGCACGTCCAGCTGGACCAGAGGAGCCTGGTGCTGAACACGGAGCCCGCCGA-3'
Protein context (NP_112506.2, residues 251-271): QQRKQQQQEG[Asn261Ser]YLQHVQLDQR